The following is an entry in ClinVar:

ClinVar aggregate classification (germline): Uncertain significance (1 of 4 stars; one submission).

Conditions:
CHARGE syndrome (CHARGE). Also called: Hittner Hirsch Kreh syndrome; CHARGE ASSOCIATION--COLOBOMA, HEART ANOMALY, CHOANAL ATRESIA, RETARDATION, GENITAL AND EAR ANOMALIES; Coloboma, heart anomaly, choanal atresia, retardation, genital and ear anomalies; CHARGE association; Hall-Hittner syndrome. Identifiers: Orphanet 138, MedGen C0265354, MONDO:0008965.

Submission:

Labcorp Genetics (formerly Invitae), Labcorp
Classification: Uncertain significance for CHARGE syndrome. Last evaluated: 2023-10-30. Review status: criteria provided, single submitter. Criteria: Invitae Variant Classification Sherloc (09022015). Collection method: clinical testing. Allele origin: germline.
Comment: This sequence change replaces aspartic acid, which is acidic and polar, with glutamic acid, which is acidic and polar, at codon 76 of the SEMA3E protein (p.Asp76Glu). This variant is not present in population databases (gnomAD no frequency). This variant has not been reported in the literature in individuals affected with SEMA3E-related conditions. Advanced modeling of protein sequence and biophysical properties (such as structural, functional, and spatial information, amino acid conservation, physicochemical variation, residue mobility, and thermodynamic stability) performed at Invitae indicates that this missense variant is not expected to disrupt SEMA3E protein function with a negative predictive value of 80%. In summary, the available evidence is currently insufficient to determine the role of this variant in disease. Therefore, it has been classified as a Variant of Uncertain Significance.

NM_012431.3(SEMA3E):c.228C>A (p.Asp76Glu)

Gene: SEMA3E (semaphorin 3E; minus strand). Cytogenetic location: 7q21.11.
Variant type: single nucleotide variant.
Coding change: c.228C>A on transcript NM_012431.3 (MANE Select); coding-DNA position 228, C replaced by A.
Protein change: p.Asp76Glu; replaces aspartic acid 76 with glutamic acid.
Molecular consequence: missense variant.
Genome position (GRCh38, 1-based): chr7:83,490,162, G>T on the plus strand (C>A on the coding strand, the complement: SEMA3E is on the minus strand). VCF-style: chr7-83490162-G-T. GRCh37 (hg19) VCF-style: chr7-83119478-G-T.
Other names: c.48C>A, p.Asp16Glu (NM_001178129.2); short protein forms D16E, D76E.
Identifiers: ClinVar variation 2765790 (VCV002765790.3), dbSNP rs758618408, ClinGen allele CA367937402.